The following is an entry in ClinVar:

ClinVar aggregate classification (germline): Conflicting classifications of pathogenicity. Review status: criteria provided, conflicting classifications (1 of 4 stars). 9 submissions from 9 submitters: Uncertain significance (6); Likely benign (1). 2 of the submissions do not count toward it. Last evaluated 2025-10-02.

Conditions:
OTOG-related disorder. Also called: OTOG-related condition.
Autosomal recessive nonsyndromic hearing loss 18B. Also called: Deafness, autosomal recessive 18b. Identifiers: Orphanet 90636, MedGen C3554163, MONDO:0013985, OMIM 614945.

Allele frequency attached by ClinVar (database versions not stated): ExAC 0.00014; gnomAD exomes 0.00027; 1000 Genomes Project 0.00060; 1000 Genomes Project 30x 0.00062; gnomAD 0.00084 and 0.00086; TOPMed 0.00087.
gnomAD v4.1: 525 of 1,417,358 alleles (0.037%); highest among the groups gnomAD compares: Middle Eastern, 0.3%; no homozygotes.

Submissions (9):

GeneDx
Classification: Uncertain significance. Last evaluated: 2025-10-02. Review status: criteria provided, single submitter. Criteria: GeneDx Variant Classification Process June 2021. Collection method: clinical testing. Allele origin: germline. Affected: yes.
Comment: In silico analysis supports that this missense variant has a deleterious effect on protein structure/function; This variant is associated with the following publications: (PMID: 37811145)

PreventionGenetics, part of Exact Sciences
Classification: Likely benign for OTOG-related condition. Last evaluated: 2025-05-29. Review status: criteria provided, single submitter. Criteria: ACMG Guidelines, 2015. Collection method: clinical testing. Allele origin: germline.
Comment: This variant is classified as likely benign based on ACMG/AMP sequence variant interpretation guidelines (Richards et al. 2015 PMID: 25741868, with internal and published modifications).

Revvity Omics, Revvity
Classification: Uncertain significance for Autosomal recessive nonsyndromic hearing loss 18B. Last evaluated: 2024-09-17. Review status: criteria provided, single submitter. Criteria: ACMG Guidelines, 2015. Collection method: clinical testing. Allele origin: germline.

Blueprint Genetics
Classification: Uncertain significance. Last evaluated: 2024-09-04. Review status: criteria provided, single submitter. Criteria: ACMG Guidelines, 2015. Collection method: clinical testing. Allele origin: germline.

Labcorp Genetics (formerly Invitae), Labcorp
Classification: Uncertain significance. Last evaluated: 2022-09-23. Review status: criteria provided, single submitter. Criteria: Invitae Variant Classification Sherloc (09022015). Collection method: clinical testing. Allele origin: germline.
Comment: This sequence change replaces aspartic acid, which is acidic and polar, with asparagine, which is neutral and polar, at codon 2721 of the OTOG protein (p.Asp2721Asn). This variant is present in population databases (rs189910531, gnomAD 0.2%). This variant has not been reported in the literature in individuals affected with OTOG-related conditions. ClinVar contains an entry for this variant (Variation ID: 504840). Algorithms developed to predict the effect of missense changes on protein structure and function are either unavailable or do not agree on the potential impact of this missense change (SIFT: "Deleterious"; PolyPhen-2: "Possibly Damaging"; Align-GVGD: "Class C0"). In summary, the available evidence is currently insufficient to determine the role of this variant in disease. Therefore, it has been classified as a Variant of Uncertain Significance.

Baylor Genetics
Classification: Uncertain significance for Autosomal recessive nonsyndromic hearing loss 18B. Last evaluated: 2019-12-26. Review status: criteria provided, single submitter. Criteria: ACMG Guidelines, 2015. Collection method: clinical testing. Allele origin: unknown. Affected: yes.
Comment: This variant was determined to be of uncertain significance according to ACMG Guidelines, 2015 [PMID:25741868].

Laboratory for Molecular Medicine, Mass General Brigham Personalized Medicine
Classification: Uncertain significance. Last evaluated: 2017-01-10. Review status: criteria provided, single submitter. Criteria: LMM Criteria. Collection method: clinical testing. Allele origin: germline. Observed: 1 variant allele.
Comment: The p.Asp2721Asn variant in OTOG has not been previously reported in individuals with hearing loss, but has been identified in 1/868 of African chromosomes and 1/272 Latino chromosomes by the Exome Aggregation Consortium (ExAC.; dbSNP rs189910531). Although this variant has been seen in t he general population, its frequency is not high enough to rule out a pathogenic role. Computational prediction tools and conservation analysis do not provide s trong support for or against an impact to the protein. In summary, the clinical significance of the p.Asp2721Asn variant is uncertain.

Clinical Genetics DNA and cytogenetics Diagnostics Lab, Erasmus MC, Erasmus Medical Center
Classification: Uncertain significance. Review status: no assertion criteria provided. Collection method: clinical testing. Allele origin: germline. Affected: yes. Study: VKGL Data-share Consensus. Not counted in ClinVar's aggregate classification.

Joint Genome Diagnostic Labs from Nijmegen and Maastricht, Radboudumc and MUMC+
Classification: Uncertain significance. Review status: no assertion criteria provided. Collection method: clinical testing. Allele origin: germline. Affected: yes. Study: VKGL Data-share Consensus. Not counted in ClinVar's aggregate classification.

NM_001292063.2(OTOG):c.8125G>A (p.Asp2709Asn)

Gene: OTOG (otogelin; plus strand). Cytogenetic location: 11p15.1.
Variant type: single nucleotide variant.
Coding change: c.8125G>A on transcript NM_001292063.2 (MANE Select); coding-DNA position 8125, G replaced by A.
Protein change: p.Asp2709Asn; replaces aspartic acid 2709 with asparagine.
Molecular consequence: missense variant.
Genome position (GRCh38, 1-based): chr11:17,641,026, G>A. VCF-style: chr11-17641026-G-A. GRCh37 (hg19) VCF-style: chr11-17662573-G-A.
Other names: c.8161G>A, p.Asp2721Asn (NM_001277269.2); short protein forms D2721N, D2709N.
Identifiers: ClinVar variation 504840 (VCV000504840.22), dbSNP rs189910531, ClinGen allele CA5906231.
Genomic context (GRCh38, chr11:17,641,026, plus strand): 5'-ACAGTGGTGGAGCTCTCAGCAGATGGCGTGTGCCACACCTCCCGCTGCACCACCGTGCTC[G>A]ACCCTCTCACCAACTTCTACCAGATCAACACCACCTCCGTGCTCTGTGACATCCACTGTG-3'
Protein context (NP_001278992.1, residues 2699-2719): CHTSRCTTVL[Asp2709Asn]PLTNFYQINT